The following is an entry in ClinVar:

ClinVar aggregate classification (germline): Conflicting classifications of pathogenicity. Review status: criteria provided, conflicting classifications (1 of 4 stars). 3 submissions from 3 submitters: Uncertain significance (1); Likely benign (1). 1 of the submissions does not count toward it. Last evaluated 2025-08-26.

Conditions:
Dyskeratosis congenita, autosomal recessive 6 (DKCB6). Identifiers: MedGen C4225356, MONDO:0014600, OMIM 616353.
Pulmonary fibrosis and/or bone marrow failure, Telomere-related, 4. Also called: PULMONARY FIBROSIS AND/OR BONE MARROW FAILURE SYNDROME, TELOMERE-RELATED, 4. Identifiers: Orphanet 2032, MedGen C4225347, MONDO:0014612, OMIM 616371.
Pulmonary fibrosis. Identifiers: MedGen C0034069, MONDO:0002771, HP:0002206.
Familial Interstitial Pneumonia.

Allele frequency attached by ClinVar (database versions not stated): gnomAD exomes below 0.00001 and 0.00002; TOPMed below 0.00001; gnomAD 0.00001.
gnomAD v4.1: 7 of 1,578,086 alleles (0.00044%); highest among the groups gnomAD compares: Admixed American, 0.0074%; no homozygotes.

Submissions (3):

Labcorp Genetics (formerly Invitae), Labcorp
Classification: Uncertain significance for Dyskeratosis congenita, autosomal recessive 6; Pulmonary fibrosis and/or bone marrow failure, Telomere-related, 4. Last evaluated: 2025-08-26. Review status: criteria provided, single submitter. Criteria: Invitae Variant Classification Sherloc (09022015). Collection method: clinical testing. Allele origin: germline.
Comment: This sequence change falls in intron 3 of the PARN gene. It does not directly change the encoded amino acid sequence of the PARN protein. It affects a nucleotide within the consensus splice site. The frequency data for this variant in the population databases is considered unreliable, as metrics indicate poor data quality at this position in the gnomAD database. This variant has been observed in individual(s) with familial interstitial pneumonia (PMID: 8414520). ClinVar contains an entry for this variant (Variation ID: 834031). Variants that disrupt the consensus splice site are a relatively common cause of aberrant splicing (PMID: 17576681, 9536098). Algorithms developed to predict the effect of sequence changes on RNA splicing suggest that this variant is not likely to affect RNA splicing. In summary, the available evidence is currently insufficient to determine the role of this variant in disease. Therefore, it has been classified as a Variant of Uncertain Significance.

Blueprint Genetics
Classification: Likely benign. Last evaluated: 2021-05-04. Review status: criteria provided, single submitter. Criteria: ACMG Guidelines, 2015. Collection method: clinical testing. Allele origin: germline.

University of Washington Center for Mendelian Genomics, University of Washington
Classification: Uncertain significance for Pulmonary Fibrosis; Familial Interstitial Pneumonia. Review status: no assertion criteria provided. Collection method: research. Allele origin: inherited. Affected: yes. Not counted in ClinVar's aggregate classification.

Literature cited by the submitters: PubMed 8414520 (cited by Labcorp Genetics (formerly Invitae), Labcorp); PubMed 17576681 (cited by Labcorp Genetics (formerly Invitae), Labcorp); PubMed 9536098 (cited by Labcorp Genetics (formerly Invitae), Labcorp); PubMed 28414520 (cited by University of Washington Center for Mendelian Genomics, University of Washington).

NM_002582.4(PARN):c.178-3C>T

Gene: PARN (poly(A)-specific ribonuclease; minus strand). Cytogenetic location: 16p13.12.
Variant type: single nucleotide variant.
Coding change: c.178-3C>T on transcript NM_002582.4 (MANE Select); 3 bases into the intron before coding-DNA position 178, C replaced by T.
Molecular consequence: intron variant.
Genome position (GRCh38, 1-based): chr16:14,627,339, G>A on the plus strand (C>T on the coding strand, the complement: PARN is on the minus strand). VCF-style: chr16-14627339-G-A. GRCh37 (hg19) VCF-style: chr16-14721196-G-A.
Other names: c.-6-3C>T (NM_001134477.3); c.159-203C>T (NM_001242992.2).
Identifiers: ClinVar variation 834031 (VCV000834031.4), dbSNP rs1394966197, ClinGen allele CA493441286.